The following is an entry in ClinVar:

NM_015346.4(ZFYVE26):c.763C>T (p.Arg255Trp)

Gene: ZFYVE26 (zinc finger FYVE-type containing 26; minus strand). Cytogenetic location: 14q24.1.
Variant type: single nucleotide variant.
Coding change: c.763C>T on transcript NM_015346.4 (MANE Select); coding-DNA position 763, C replaced by T.
Protein change: p.Arg255Trp; replaces arginine 255 with tryptophan.
Molecular consequence: missense variant.
Genome position (GRCh38, 1-based): chr14:67,807,521, G>A on the plus strand (C>T on the coding strand, the complement: ZFYVE26 is on the minus strand). VCF-style: chr14-67807521-G-A. GRCh37 (hg19) VCF-style: chr14-68274238-G-A.
Other names: p.Arg255Trp; short protein forms R255W.
Identifiers: ClinVar variation 313923 (VCV000313923.13), dbSNP rs267604034, ClinGen allele CA7240709.

ClinVar aggregate classification (germline): Uncertain significance. Review status: criteria provided, multiple submitters, no conflicts (2 of 4 stars). 5 submissions from 5 submitters: Uncertain significance (5). Last evaluated 2025-09-23.

Conditions:
Hereditary spastic paraplegia 15 (SPG15). Also called: SPASTIC PARAPLEGIA 15, AUTOSOMAL RECESSIVE; KJELLIN SYNDROME; SPASTIC PARAPLEGIA AND RETINAL DEGENERATION. Identifiers: Orphanet 100996, MedGen C1849128, MONDO:0010044, OMIM 270700.
Spastic paraplegia. Identifiers: MedGen C0037772, HP:0001258.
Hereditary spastic paraplegia. Also called: Familial spastic paraparesis. Identifiers: Orphanet 685, MedGen C0037773, MONDO:0019064. Disease mechanism: loss of function.

Allele frequency attached by ClinVar (database versions not stated): ExAC 0.00005; gnomAD exomes 0.00005; gnomAD 0.00007; TOPMed 0.00011.
gnomAD v4.1: 131 of 1,614,040 alleles (0.0081%); highest among the groups gnomAD compares: Middle Eastern, 0.016%; no homozygotes.

Submissions (5):

Labcorp Genetics (formerly Invitae), Labcorp
Classification: Uncertain significance for Spastic paraplegia. Last evaluated: 2025-09-23. Review status: criteria provided, single submitter. Criteria: Invitae Variant Classification Sherloc (09022015). Collection method: clinical testing. Allele origin: germline.
Comment: This sequence change replaces arginine, which is basic and polar, with tryptophan, which is neutral and slightly polar, at codon 255 of the ZFYVE26 protein (p.Arg255Trp). This variant is present in population databases (rs267604034, gnomAD 0.009%). This variant has not been reported in the literature in individuals affected with ZFYVE26-related conditions. ClinVar contains an entry for this variant (Variation ID: 313923). An algorithm developed to predict the effect of missense changes on protein structure and function (PolyPhen-2) suggests that this variant is likely to be disruptive. In summary, the available evidence is currently insufficient to determine the role of this variant in disease. Therefore, it has been classified as a Variant of Uncertain Significance.

GeneDx
Classification: Uncertain significance. Last evaluated: 2024-06-09. Review status: criteria provided, single submitter. Criteria: GeneDx Variant Classification Process June 2021. Collection method: clinical testing. Allele origin: germline. Affected: yes.
Comment: Not observed at significant frequency in large population cohorts (gnomAD); In silico analysis indicates that this missense variant does not alter protein structure/function; Has not been previously published as pathogenic or benign to our knowledge

Mayo Clinic Laboratories, Mayo Clinic
Classification: Uncertain significance. Last evaluated: 2022-02-11. Review status: criteria provided, single submitter. Criteria: ACMG Guidelines, 2015. Collection method: clinical testing. Allele origin: germline. Observed: 1 variant allele.
Comment: BP4, PM2

Genome Diagnostics Laboratory, The Hospital for Sick Children
Classification: Uncertain significance for Hereditary spastic paraplegia. Last evaluated: 2020-02-01. Review status: criteria provided, single submitter. Criteria: ACMG Guidelines, 2015. Collection method: clinical testing. Allele origin: germline. Affected: yes.

Illumina Laboratory Services, Illumina
Classification: Uncertain significance for Hereditary spastic paraplegia 15. Last evaluated: 2018-01-12. Review status: criteria provided, single submitter. Criteria: ICSL Variant Classification Criteria 13 December 2019. Collection method: clinical testing. Allele origin: germline.